The following is an entry in ClinVar:

NM_000057.4(BLM):c.592C>G (p.Leu198Val)

Gene: BLM (BLM RecQ like helicase; plus strand). Cytogenetic location: 15q26.1.
Variant type: single nucleotide variant.
Coding change: c.592C>G on transcript NM_000057.4 (MANE Select); coding-DNA position 592, C replaced by G.
Protein change: p.Leu198Val; replaces leucine 198 with valine.
Molecular consequence: missense variant. On other transcripts: 5 prime UTR variant (1).
Genome position (GRCh38, 1-based): chr15:90,749,860, C>G. VCF-style: chr15-90749860-C-G. GRCh37 (hg19) VCF-style: chr15-91293090-C-G.
Other names: c.592C>G (NM_000057.2); c.592C>G, p.Leu198Val (NM_001287246.2, NM_001287247.2); c.-700C>G (NM_001287248.2); short protein forms L198V.
Identifiers: ClinVar variation 864051 (VCV000864051.11), dbSNP rs1346738369, ClinGen allele CA393841128.

ClinVar aggregate classification (germline): Uncertain significance. Review status: criteria provided, multiple submitters, no conflicts (2 of 4 stars). 2 submissions from 2 submitters: Uncertain significance (2). Last evaluated 2026-06-14.

Conditions:
Hereditary cancer-predisposing syndrome. Also called: Tumor predisposition; Neoplastic Syndromes, Hereditary; Hereditary neoplastic syndrome; Hereditary Cancer Syndrome. Identifiers: Orphanet 140162, MedGen C0027672, MeSH D009386, MONDO:0015356.
Bloom syndrome (BLM). Also called: Bloom-Torre-Machacek syndrome. Identifiers: Orphanet 125, MedGen C0005859, MONDO:0008876, OMIM 210900.

Allele frequency attached by ClinVar (database versions not stated): TOPMed below 0.00001.

Submissions (2):

Ambry Genetics
Classification: Uncertain significance for Hereditary cancer-predisposing syndrome. Last evaluated: 2026-06-14. Review status: criteria provided, single submitter. Criteria: Ambry Variant Classification Scheme 2023. Collection method: clinical testing. Allele origin: germline.
Comment: The p.L198V variant (also known as c.592C>G), located in coding exon 2 of the BLM gene, results from a C to G substitution at nucleotide position 592. The leucine at codon 198 is replaced by valine, an amino acid with highly similar properties. This amino acid position is conserved. In addition, this alteration is predicted to be tolerated by in silico analysis. Based on the available evidence, the clinical significance of this variant remains unclear.

Labcorp Genetics (formerly Invitae), Labcorp
Classification: Uncertain significance for Bloom syndrome. Last evaluated: 2024-11-01. Review status: criteria provided, single submitter. Criteria: Invitae Variant Classification Sherloc (09022015). Collection method: clinical testing. Allele origin: germline.
Comment: This sequence change replaces leucine, which is neutral and non-polar, with valine, which is neutral and non-polar, at codon 198 of the BLM protein (p.Leu198Val). This variant is not present in population databases (gnomAD no frequency). This variant has not been reported in the literature in individuals affected with BLM-related conditions. ClinVar contains an entry for this variant (Variation ID: 864051). An algorithm developed to predict the effect of missense changes on protein structure and function (PolyPhen-2) suggests that this variant is likely to be tolerated. In summary, the available evidence is currently insufficient to determine the role of this variant in disease. Therefore, it has been classified as a Variant of Uncertain Significance.